The following is an entry in ClinVar:

ClinVar aggregate classification (germline): Benign/Likely benign. Review status: criteria provided, multiple submitters, no conflicts (2 of 4 stars). 6 submissions from 6 submitters: Benign (1); Likely benign (2). 3 of the submissions do not count toward it. Last evaluated 2026-01-19.

Conditions:
Parkinsonism-dystonia, infantile. Identifiers: Orphanet 238455, MedGen C2751067, MONDO:0013150.
SLC6A3-related disorder. Also called: SLC6A3-related condition.

Allele frequency attached by ClinVar (database versions not stated): ESP Exome Variant Server 0.00161; gnomAD exomes 0.00169; ExAC 0.00179; gnomAD 0.00194 and 0.00206; TOPMed 0.00210; 1000 Genomes Project 30x 0.00453; 1000 Genomes Project 0.00459.
gnomAD v4.1: 1,590 of 1,613,260 alleles (0.099%); highest among the groups gnomAD compares: East Asian, 1.6%; 8 homozygotes.

Submissions (6):

Labcorp Genetics (formerly Invitae), Labcorp
Classification: Benign for Parkinsonism-dystonia, infantile. Last evaluated: 2026-01-19. Review status: criteria provided, single submitter. Criteria: Invitae Variant Classification Sherloc (09022015). Collection method: clinical testing. Allele origin: germline.

CeGaT Center for Human Genetics Tuebingen
Classification: Likely benign. Last evaluated: 2024-05-01. Review status: criteria provided, single submitter. Criteria: CeGaT Center For Human Genetics Tuebingen Variant Classification Criteria Version 2. Collection method: clinical testing. Allele origin: germline. Affected: yes. Observed: 3 variant alleles.
Comment: SLC6A3: BP4, BP7, BS1

GeneDx
Classification: Likely benign. Last evaluated: 2021-02-17. Review status: criteria provided, single submitter. Criteria: GeneDx Variant Classification Process June 2021. Collection method: clinical testing. Allele origin: germline. Affected: yes.

PreventionGenetics, part of Exact Sciences
Classification: Likely benign for SLC6A3-related condition. Last evaluated: 2022-06-17. Review status: no assertion criteria provided. Collection method: clinical testing. Allele origin: germline. Not counted in ClinVar's aggregate classification.
Comment: This variant is classified as likely benign based on ACMG/AMP sequence variant interpretation guidelines (Richards et al. 2015 PMID: 25741868, with internal and published modifications).

Clinical Genetics DNA and cytogenetics Diagnostics Lab, Erasmus MC, Erasmus Medical Center
Classification: Likely benign. Review status: no assertion criteria provided. Collection method: clinical testing. Allele origin: germline. Affected: yes. Study: VKGL Data-share Consensus. Not counted in ClinVar's aggregate classification.

Diagnostic Laboratory, Department of Genetics, University Medical Center Groningen
Classification: Likely benign. Review status: no assertion criteria provided. Collection method: clinical testing. Allele origin: germline. Affected: yes. Study: VKGL Data-share Consensus. Not counted in ClinVar's aggregate classification.

NM_001044.5(SLC6A3):c.1398C>T (p.Asn466=)

Gene: SLC6A3 (solute carrier family 6 member 3). Cytogenetic location: 5p15.33.
Variant type: single nucleotide variant.
Coding change: c.1398C>T on transcript NM_001044.5 (MANE Select); coding-DNA position 1398, C replaced by T.
Protein change: p.Asn466=; no amino-acid change (asparagine 466 retained).
Molecular consequence: synonymous variant.
Genome position (GRCh38, 1-based): chr5:1,409,721, G>A on the plus strand (C>T on the coding strand, the complement: SLC6A3 is on the minus strand). VCF-style: chr5-1409721-G-A. GRCh37 (hg19) VCF-style: chr5-1409836-G-A.
Identifiers: ClinVar variation 470632 (VCV000470632.47), dbSNP rs2270912, ClinGen allele CA3186063.